The following is an entry in ClinVar:

ClinVar aggregate classification (germline): Benign/Likely benign. Review status: criteria provided, multiple submitters, no conflicts (2 of 4 stars). 4 submissions from 4 submitters: Benign (1); Likely benign (2). 1 of the submissions does not count toward it. Last evaluated 2026-07-10.

Conditions:
Hereditary cancer-predisposing syndrome. Also called: Tumor predisposition; Neoplastic Syndromes, Hereditary; Hereditary Cancer Syndrome; Hereditary neoplastic syndrome. Identifiers: Orphanet 140162, MedGen C0027672, MeSH D009386, MONDO:0015356.
SMARCA4-related disorder. Also called: SMARCA4-related condition.
Rhabdoid tumor predisposition syndrome 2 (RTPS2). Identifiers: Orphanet 231108, Orphanet 69077, MedGen C2750074, MONDO:0013224, OMIM 613325.

Allele frequency attached by ClinVar (database versions not stated): ExAC 0.00002; TOPMed 0.00001; gnomAD exomes 0.00003 and 0.00002; gnomAD 0.00001; ESP Exome Variant Server 0.00008.

Submissions (4):

Myriad Genetics, Inc.
Classification: Benign for Rhabdoid tumor predisposition syndrome 2. Last evaluated: 2026-07-10. Review status: criteria provided, single submitter. Criteria: Myriad Autosomal Dominant, Autosomal Recessive and X-Linked Classification Criteria (2023). Collection method: clinical testing. Allele origin: unknown.
Comment: This variant is considered benign. This variant is a silent/synonymous amino acid change and it is not expected to impact splicing.

Labcorp Genetics (formerly Invitae), Labcorp
Classification: Likely benign for Rhabdoid tumor predisposition syndrome 2. Last evaluated: 2026-01-17. Review status: criteria provided, single submitter. Criteria: Invitae Variant Classification Sherloc (09022015). Collection method: clinical testing. Allele origin: germline.

Ambry Genetics
Classification: Likely benign for Hereditary cancer-predisposing syndrome. Last evaluated: 2016-04-19. Review status: criteria provided, single submitter. Criteria: Ambry Variant Classification Scheme 2023. Collection method: clinical testing. Allele origin: germline.

PreventionGenetics, part of Exact Sciences
Classification: Likely benign for SMARCA4-related condition. Last evaluated: 2023-03-15. Review status: no assertion criteria provided. Collection method: clinical testing. Allele origin: germline. Not counted in ClinVar's aggregate classification.
Comment: This variant is classified as likely benign based on ACMG/AMP sequence variant interpretation guidelines (Richards et al. 2015 PMID: 25741868, with internal and published modifications).

NM_003072.5(SMARCA4):c.1848G>A (p.Pro616=)

Gene: SMARCA4 (SWI/SNF related BAF chromatin remodeling complex subunit ATPase 4; plus strand). Cytogenetic location: 19p13.2.
Variant type: single nucleotide variant.
Coding change: c.1848G>A on transcript NM_003072.5 (MANE Select); coding-DNA position 1848, G replaced by A.
Protein change: p.Pro616=; no amino-acid change (proline 616 retained).
Molecular consequence: synonymous variant. On other transcripts: non-coding transcript variant (1).
Genome position (GRCh38, 1-based): chr19:11,003,064, G>A. VCF-style: chr19-11003064-G-A. GRCh37 (hg19) VCF-style: chr19-11113740-G-A.
Other names: c.1848G>A, p.Pro616= (NM_001128844.3, NM_001128845.2, NM_001128846.2 and 5 more transcripts).
Identifiers: ClinVar variation 486468 (VCV000486468.19), dbSNP rs138721614, ClinGen allele CA9203921.